The following is an entry in ClinVar:

NM_000081.4(LYST):c.7098A>C (p.Gln2366His)

Gene: LYST (lysosomal trafficking regulator; minus strand). Cytogenetic location: 1q42.3.
Variant type: single nucleotide variant.
Coding change: c.7098A>C on transcript NM_000081.4 (MANE Select); coding-DNA position 7098, A replaced by C.
Protein change: p.Gln2366His; replaces glutamine 2366 with histidine.
Molecular consequence: missense variant.
Genome position (GRCh38, 1-based): chr1:235,755,609, T>G on the plus strand (A>C on the coding strand, the complement: LYST is on the minus strand). VCF-style: chr1-235755609-T-G. GRCh37 (hg19) VCF-style: chr1-235918909-T-G.
Other names: c.7098A>C, p.Gln2366His (NM_001301365.1); short protein forms Q2366H.
Identifiers: ClinVar variation 1302401 (VCV001302401.3), dbSNP rs1013368289, ClinGen allele CA39614510.
Genomic context (GRCh38, chr1:235,755,609, plus strand): 5'-ATGAAGATACAACTGGTTGGCTAGCAAGGAAAATCCACGATTCTTCAGAAATTTATCTTT[T>G]TGTTCCTTAGATGCTCTAGCAAAATATGCATCTAATAGCTAAACAAAAAATTTAAGTCAA-3'
Protein context (NP_000072.2, residues 2356-2376): DAYFARASKE[Gln2366His]KDKFLKNRGF

ClinVar aggregate classification (germline): Uncertain significance (1 of 4 stars; one submission).

Allele frequency attached by ClinVar (database versions not stated): gnomAD exomes below 0.00001.
gnomAD v4.1: 4 of 1,613,584 alleles (0.00025%); highest among the groups gnomAD compares: Non-Finnish European, 0.00034%; no homozygotes.

Submission:

GeneDx
Classification: Uncertain significance. Last evaluated: 2025-06-24. Review status: criteria provided, single submitter. Criteria: GeneDx Variant Classification Process June 2021. Collection method: clinical testing. Allele origin: germline. Affected: yes.
Comment: Not observed at significant frequency in large population cohorts (gnomAD); In silico analysis supports that this missense variant has a deleterious effect on protein structure/function; Has not been previously published as pathogenic or benign to our knowledge